The following is an entry in ClinVar:

ClinVar aggregate classification (germline): Uncertain significance. Review status: criteria provided, multiple submitters, no conflicts (2 of 4 stars). 3 submissions from 3 submitters: Uncertain significance (3). Last evaluated 2025-04-17.

Conditions:
Inborn genetic diseases. Identifiers: MedGen C0950123, MeSH D030342.

gnomAD v4.1: 92 of 1,550,554 alleles (0.0059%); highest among the groups gnomAD compares: Non-Finnish European, 0.0076%; no homozygotes.

Submissions (3):

Labcorp Genetics (formerly Invitae), Labcorp
Classification: Uncertain significance. Last evaluated: 2025-04-17. Review status: criteria provided, single submitter. Criteria: Invitae Variant Classification Sherloc (09022015). Collection method: clinical testing. Allele origin: germline.
Comment: This sequence change replaces arginine, which is basic and polar, with proline, which is neutral and non-polar, at codon 375 of the COL9A2 protein (p.Arg375Pro). This variant is present in population databases (no rsID available, gnomAD 0.01%). This variant has not been reported in the literature in individuals affected with COL9A2-related conditions. ClinVar contains an entry for this variant (Variation ID: 1201165). Invitae Evidence Modeling of protein sequence and biophysical properties (such as structural, functional, and spatial information, amino acid conservation, physicochemical variation, residue mobility, and thermodynamic stability) indicates that this missense variant is not expected to disrupt COL9A2 protein function with a negative predictive value of 95%. In summary, the available evidence is currently insufficient to determine the role of this variant in disease. Therefore, it has been classified as a Variant of Uncertain Significance.

Ambry Genetics
Classification: Uncertain significance for Inborn genetic diseases. Last evaluated: 2023-09-22. Review status: criteria provided, single submitter. Criteria: Ambry Variant Classification Scheme 2023. Collection method: clinical testing. Allele origin: germline.

GeneDx
Classification: Uncertain significance. Last evaluated: 2021-11-15. Review status: criteria provided, single submitter. Criteria: GeneDx Variant Classification Process June 2021. Collection method: clinical testing. Allele origin: germline. Affected: yes.
Comment: Has not been previously published as pathogenic or benign to our knowledge; At the protein level, in-silico analysis supports that this missense variant does not alter protein structure/function

NM_001852.4(COL9A2):c.1124G>C (p.Arg375Pro)

Gene: COL9A2 (collagen type IX alpha 2 chain; minus strand). Cytogenetic location: 1p34.2.
Variant type: single nucleotide variant.
Coding change: c.1124G>C on transcript NM_001852.4 (MANE Select); coding-DNA position 1124, G replaced by C.
Protein change: p.Arg375Pro; replaces arginine 375 with proline.
Molecular consequence: missense variant.
Genome position (GRCh38, 1-based): chr1:40,304,831, C>G on the plus strand (G>C on the coding strand, the complement: COL9A2 is on the minus strand). VCF-style: chr1-40304831-C-G. GRCh37 (hg19) VCF-style: chr1-40770503-C-G.
Other names: short protein forms R375P.
Identifiers: ClinVar variation 1201165 (VCV001201165.12), dbSNP rs370682522, ClinGen allele CA339850971.
Genomic context (GRCh38, chr1:40,304,831, plus strand): 5'-GGGCCATTGTGCCAGGCACTTACCTTCTGTCCCATGATGCCCTGGGGACCAATTTCTCCT[C>G]GAGGCCCTGGCTCTCCCTGGAGGAAGGAGAAATTGGGGCTAAGCGTTTGACCTGGTGGAA-3'
Protein context (NP_001843.1, residues 365-385): PPGKEGEPGP[Arg375Pro]GEIGPQGIMG